The following is an entry in ClinVar:

ClinVar aggregate classification (germline): Likely benign. Review status: criteria provided, single submitter (1 of 4 stars). 2 submissions from 2 submitters: Likely benign (1). 1 of the submissions does not count toward it. Last evaluated 2025-10-13.

Conditions:
ERBB4-related disorder. Also called: ERBB4-related condition.

Allele frequency attached by ClinVar (database versions not stated): gnomAD exomes 0.00016 and 0.00047; gnomAD 0.00017; ExAC 0.00019; TOPMed 0.00024; ESP Exome Variant Server 0.00069.
gnomAD v4.1: 740 of 1,609,580 alleles (0.046%); highest among the groups gnomAD compares: Non-Finnish European, 0.058%; 1 homozygote.

Submissions (2):

Labcorp Genetics (formerly Invitae), Labcorp
Classification: Likely benign. Last evaluated: 2025-10-13. Review status: criteria provided, single submitter. Criteria: Invitae Variant Classification Sherloc (09022015). Collection method: clinical testing. Allele origin: germline.

PreventionGenetics, part of Exact Sciences
Classification: Likely benign for ERBB4-related condition. Last evaluated: 2019-07-09. Review status: no assertion criteria provided. Collection method: clinical testing. Allele origin: germline. Not counted in ClinVar's aggregate classification.
Comment: This variant is classified as likely benign based on ACMG/AMP sequence variant interpretation guidelines (Richards et al. 2015 PMID: 25741868, with internal and published modifications).

NM_005235.3(ERBB4):c.1124+9T>G

Gene: ERBB4 (erb-b2 receptor tyrosine kinase 4; minus strand). Cytogenetic location: 2q34.
Variant type: single nucleotide variant.
Coding change: c.1124+9T>G on transcript NM_005235.3 (MANE Select); 9 bases into the intron after coding-DNA position 1124, T replaced by G.
Molecular consequence: intron variant.
Genome position (GRCh38, 1-based): chr2:211,712,041, A>C on the plus strand (T>G on the coding strand, the complement: ERBB4 is on the minus strand). VCF-style: chr2-211712041-A-C. GRCh37 (hg19) VCF-style: chr2-212576766-A-C.
Other names: c.1124+9T>G (NM_001042599.2, NM_001439006.1, NM_001439005.1).
Identifiers: ClinVar variation 739972 (VCV000739972.11), dbSNP rs201744270, ClinGen allele CA2088235.
Genomic context (GRCh38, chr2:211,712,041, plus strand): 5'-AAAACTAAAGAATCTCTTCAGTTTTGTCTACACTTTGTAAAATAACTTGCACAAAAATTT[A>C]ATACTGACCCATGAATACCAGTGACTAGAAAGATCAAATTCCCATTGATCTTGGTACAGT-3'